The following is an entry in ClinVar:

ClinVar aggregate classification (germline): Conflicting classifications of pathogenicity. Review status: criteria provided, conflicting classifications (1 of 4 stars). 4 submissions from 3 submitters: Uncertain significance (3); Likely benign (1). Last evaluated 2025-11-19.

Conditions:
Primary dilated cardiomyopathy (DCM). Also called: Dilated Cardiomyopathy. Identifiers: Orphanet 217604, MedGen C0007193, MeSH D002311, MONDO:0005021, HP:0001644. Inheritance: Various modes of inheritance.
Kabuki syndrome 2 (KABUK2). Also called: KDM6A-Related Kabuki Syndrome. Identifiers: Orphanet 2322, MedGen C3275495, MONDO:0010465, OMIM 300867.
Intellectual disability. Also called: Intellectual functioning disability; Intellectual developmental disorder; intellectual disabilities. Identifiers: MedGen C3714756, MeSH D008607, MONDO:0001071, HP:0001249.
KDM6A-related disorder. Also called: KDM6A-related condition.

Allele frequency attached by ClinVar (database versions not stated): gnomAD exomes 0.00001 and 0.00004; TOPMed below 0.00001.
gnomAD v4.1: 40 of 1,138,487 alleles (0.0035%); highest among the groups gnomAD compares: Non-Finnish European, 0.0046%; no homozygotes.

Submissions (4):

Labcorp Genetics (formerly Invitae), Labcorp
Classification: Uncertain significance for Kabuki syndrome 2. Last evaluated: 2025-11-19. Review status: criteria provided, single submitter. Criteria: Invitae Variant Classification Sherloc (09022015). Collection method: clinical testing. Allele origin: germline.
Comment: This sequence change replaces asparagine, which is neutral and polar, with serine, which is neutral and polar, at codon 444 of the KDM6A protein (p.Asn444Ser). This variant is present in population databases (rs768863219, gnomAD 0.003%). This variant has not been reported in the literature in individuals affected with KDM6A-related conditions. ClinVar contains an entry for this variant (Variation ID: 1380104). An algorithm developed to predict the effect of missense changes on protein structure and function outputs the following: PolyPhen-2: "Benign". The serine amino acid residue is found in multiple mammalian species, which suggests that this missense change does not adversely affect protein function. In summary, the available evidence is currently insufficient to determine the role of this variant in disease. Therefore, it has been classified as a Variant of Uncertain Significance.

PreventionGenetics, part of Exact Sciences
Classification: Uncertain significance for KDM6A-related condition. Last evaluated: 2023-02-17. Review status: criteria provided, single submitter. Criteria: ACMG Guidelines, 2015. Collection method: clinical testing. Allele origin: germline.
Comment: The KDM6A c.1331A>G variant is predicted to result in the amino acid substitution p.Asn444Ser. To our knowledge, this variant has not been reported in the literature. This variant is reported in 0.0026% of alleles in individuals of European (Non-Finnish) descent in gnomAD. At this time, the clinical significance of this variant is uncertain due to the absence of conclusive functional and genetic evidence.

Cambridge Genomics Laboratory, East Genomic Laboratory Hub, NHS Genomic Medicine Service
Classification: Uncertain significance for Primary dilated cardiomyopathy. Last evaluated: 2019-04-17. Review status: criteria provided, single submitter. Criteria: ACGS Best Practice Guidelines for Variant Classification in Rare Disease 2020. Collection method: clinical testing. Allele origin: germline. Affected: yes. Observed: 1 variant allele.

Cambridge Genomics Laboratory, East Genomic Laboratory Hub, NHS Genomic Medicine Service
Classification: Likely benign for Intellectual disability. Last evaluated: 2019-04-17. Review status: criteria provided, single submitter. Criteria: ACGS Best Practice Guidelines for Variant Classification in Rare Disease 2020. Collection method: clinical testing. Allele origin: germline. Affected: yes. Observed: 1 variant allele.

NM_001291415.2(KDM6A):c.1487A>G (p.Asn496Ser)

Gene: KDM6A (lysine demethylase 6A; plus strand). Cytogenetic location: Xp11.3.
Variant type: single nucleotide variant.
Coding change: c.1487A>G on transcript NM_001291415.2 (MANE Select); coding-DNA position 1487, A replaced by G.
Protein change: p.Asn496Ser; replaces asparagine 496 with serine.
Molecular consequence: missense variant. On other transcripts: non-coding transcript variant (1).
Genome position (GRCh38, 1-based): chrX:45,061,325, A>G. VCF-style: chrX-45061325-A-G. GRCh37 (hg19) VCF-style: chrX-44920570-A-G.
Other names: c.1352A>G, p.Asn451Ser (NM_001291416.2); c.1196A>G, p.Asn399Ser (NM_001291417.2, NM_001291418.2); c.443A>G, p.Asn148Ser (NM_001291421.2); c.1331A>G (NM_021140.3); c.1331A>G, p.Asn444Ser (NM_021140.4); short protein forms N148S, N399S, N496S, N444S, N451S.
Identifiers: ClinVar variation 1380104 (VCV001380104.8), dbSNP rs768863219, ClinGen allele CA329044836.